The following is an entry in ClinVar:

NM_000548.5(TSC2):c.5373C>G (p.Gly1791=)

Gene: TSC2 (TSC complex subunit 2; plus strand). Cytogenetic location: 16p13.3.
Variant type: single nucleotide variant.
Coding change: c.5373C>G on transcript NM_000548.5 (MANE Select); coding-DNA position 5373, C replaced by G.
Protein change: p.Gly1791=; no amino-acid change (glycine 1791 retained).
Molecular consequence: synonymous variant.
Genome position (GRCh38, 1-based): chr16:2,088,559, C>G. VCF-style: chr16-2088559-C-G. GRCh37 (hg19) VCF-style: chr16-2138560-C-G.
Other names: c.5172C>G, p.Gly1724= (NM_001077183.3); c.5304C>G, p.Gly1768= (NM_001114382.3); c.5064C>G, p.Gly1688= (NM_001318827.2); c.5028C>G, p.Gly1676= (NM_001318829.2); c.4641C>G, p.Gly1547= (NM_001318831.2); c.5205C>G, p.Gly1735= (NM_001318832.2); c.5175C>G, p.Gly1725= (NM_001363528.2); c.5241C>G, p.Gly1747= (NM_001370404.1); and 2 more.
Identifiers: ClinVar variation 468166 (VCV000468166.16), dbSNP rs1555441528, ClinGen allele CA493043762.
Genomic context (GRCh38, chr16:2,088,559, plus strand): 5'-GTCCCATAGCAAAGCCCCTGCACAGACTCCAGCCGAGCCCACACCTGGCTATGAGGTGGG[C>G]CAGCGGAAGCGCCTCATCTCCTCGGTGGAGGACTTCACCGAGTTTGTGTGAGGCCGGGGC-3'
Protein context (NP_000539.2, residues 1781-1801): PAEPTPGYEV[Gly1791=]QRKRLISSVE

ClinVar aggregate classification (germline): Benign/Likely benign. Review status: criteria provided, multiple submitters, no conflicts (2 of 4 stars). 6 submissions from 6 submitters: Benign (2); Likely benign (4). Last evaluated 2025-09-17.

Conditions:
Hereditary cancer-predisposing syndrome. Also called: Hereditary neoplastic syndrome; Neoplastic Syndromes, Hereditary; Tumor predisposition; Hereditary Cancer Syndrome. Identifiers: Orphanet 140162, MedGen C0027672, MeSH D009386, MONDO:0015356.
Tuberous sclerosis 2 (TSC2). Identifiers: Orphanet 805, MedGen C1860707, MONDO:0013199, OMIM 613254.

Submissions (6):

Labcorp Genetics (formerly Invitae), Labcorp
Classification: Likely benign for Tuberous sclerosis 2. Last evaluated: 2025-09-17. Review status: criteria provided, single submitter. Criteria: Invitae Variant Classification Sherloc (09022015). Collection method: clinical testing. Allele origin: germline.

Women's Health and Genetics/Laboratory Corporation of America, LabCorp
Classification: Likely benign. Last evaluated: 2025-07-21. Review status: criteria provided, single submitter. Criteria: LabCorp Variant Classification Summary - May 2015. Collection method: clinical testing. Allele origin: germline.
Comment: Variant summary: TSC2 c.5373C>G alters a conserved nucleotide resulting in a synonymous change. Consensus agreement among computation tools predict no significant impact on normal splicing. However, these predictions have yet to be confirmed by functional studies. The variant was absent in 248242 control chromosomes. The available data on variant occurrences in the general population are insufficient to allow any conclusion about variant significance. To our knowledge, no occurrence of c.5373C>G in individuals affected with Tuberous Sclerosis Complex and no experimental evidence demonstrating its impact on protein function have been reported. ClinVar contains an entry for this variant (Variation ID: 468166). Based on the evidence outlined above, the variant was classified as likely benign.

Myriad Genetics, Inc.
Classification: Benign for Tuberous sclerosis 2. Last evaluated: 2025-06-09. Review status: criteria provided, single submitter. Criteria: Myriad Autosomal Dominant, Autosomal Recessive and X-Linked Classification Criteria (2023). Collection method: clinical testing. Allele origin: unknown.
Comment: This variant is considered benign. This variant is a silent/synonymous amino acid change and it is not expected to impact splicing.

Ambry Genetics
Classification: Likely benign for Hereditary cancer-predisposing syndrome. Last evaluated: 2022-01-31. Review status: criteria provided, single submitter. Criteria: Ambry Variant Classification Scheme 2023. Collection method: clinical testing. Allele origin: germline.

Genome-Nilou Lab
Classification: Benign for Tuberous sclerosis 2. Last evaluated: 2021-11-07. Review status: criteria provided, single submitter. Criteria: ACMG Guidelines, 2015. Collection method: clinical testing. Allele origin: germline. Affected: no.

Athena Diagnostics
Classification: Likely benign. Last evaluated: 2021-01-19. Review status: criteria provided, single submitter. Criteria: Athena Diagnostics criteria. Collection method: clinical testing. Allele origin: unknown.